The following is an entry in ClinVar:

ClinVar aggregate classification (germline): Uncertain significance (1 of 4 stars; one submission).

Conditions:
Nemaline myopathy 10 (NEM10). Identifiers: MedGen C4015360, MONDO:0014513, OMIM 616165.

Allele frequency attached by ClinVar (database versions not stated): gnomAD exomes below 0.00001.
gnomAD v4.1: 1 of 1,610,652 alleles (0.000062%); highest among the groups gnomAD compares: Non-Finnish European, 0.000085%; no homozygotes.

Submission:

Labcorp Genetics (formerly Invitae), Labcorp
Classification: Uncertain significance for Nemaline myopathy 10. Last evaluated: 2022-06-20. Review status: criteria provided, single submitter. Criteria: Invitae Variant Classification Sherloc (09022015). Collection method: clinical testing. Allele origin: germline.
Comment: This variant is not present in population databases (gnomAD no frequency). This sequence change replaces valine, which is neutral and non-polar, with isoleucine, which is neutral and non-polar, at codon 514 of the LMOD3 protein (p.Val514Ile). In summary, the available evidence is currently insufficient to determine the role of this variant in disease. Therefore, it has been classified as a Variant of Uncertain Significance. Algorithms developed to predict the effect of missense changes on protein structure and function are either unavailable or do not agree on the potential impact of this missense change (SIFT: "Tolerated"; PolyPhen-2: "Possibly Damaging"; Align-GVGD: "Class C0"). This variant has not been reported in the literature in individuals affected with LMOD3-related conditions.

NM_198271.5(LMOD3):c.1540G>A (p.Val514Ile)

Gene: LMOD3 (leiomodin 3; minus strand). Cytogenetic location: 3p14.1.
Variant type: single nucleotide variant.
Coding change: c.1540G>A on transcript NM_198271.5 (MANE Select); coding-DNA position 1540, G replaced by A.
Protein change: p.Val514Ile; replaces valine 514 with isoleucine.
Molecular consequence: missense variant.
Genome position (GRCh38, 1-based): chr3:69,118,815, C>T on the plus strand (G>A on the coding strand, the complement: LMOD3 is on the minus strand). VCF-style: chr3-69118815-C-T. GRCh37 (hg19) VCF-style: chr3-69167966-C-T.
Other names: c.1540G>A, p.Val514Ile (NM_001304418.3); short protein forms V514I.
Identifiers: ClinVar variation 1470611 (VCV001470611.6), dbSNP rs2107525731, ClinGen allele CA353469992.